The following is an entry in ClinVar:

NM_021975.4(RELA):c.1316C>A (p.Ala439Asp)

Gene: RELA (RELA proto-oncogene, NF-kB subunit; minus strand). Cytogenetic location: 11q13.1.
Variant type: single nucleotide variant.
Coding change: c.1316C>A on transcript NM_021975.4 (MANE Select); coding-DNA position 1316, C replaced by A.
Protein change: p.Ala439Asp; replaces alanine 439 with aspartic acid.
Molecular consequence: missense variant. On other transcripts: intron variant (1).
Genome position (GRCh38, 1-based): chr11:65,654,718, G>T on the plus strand (C>A on the coding strand, the complement: RELA is on the minus strand). VCF-style: chr11-65654718-G-T. GRCh37 (hg19) VCF-style: chr11-65422189-G-T.
Other names: c.935C>A, p.Ala312Asp (NM_001404661.1); c.1223C>A, p.Ala408Asp (NM_001404662.1, NM_001404663.1); c.1215+101C>A (NM_001243985.2); c.1307C>A, p.Ala436Asp (NM_001145138.2); c.1109C>A, p.Ala370Asp (NM_001243984.2); c.1349C>A, p.Ala450Asp (NM_001404657.1); c.1289C>A, p.Ala430Asp (NM_001404658.1); c.1103C>A, p.Ala368Asp (NM_001404659.1); and 1 more; short protein forms A368D, A333D, A439D, A450D, A370D, A408D, A430D, A436D.
Identifiers: ClinVar variation 2811074 (VCV002811074.3), dbSNP rs1390663138, ClinGen allele CA381387356.
Genomic context (GRCh38, chr11:65,654,718, plus strand): 5'-TCTGTGCTGTTGCCAAGCAAGGCCCCCAGGTCTTCATCATCAAACTGCAGCTGCAGCAGG[G>T]CCTCTGACAGCGTTCCTTCCCCAGCCTGGGTGGGCTTGGGGGCAGGTGGGGCCACAGCCT-3'
Protein context (NP_068810.3, residues 429-449): TQAGEGTLSE[Ala439Asp]LLQLQFDDED

ClinVar aggregate classification (germline): Uncertain significance (1 of 4 stars; one submission).

gnomAD v4.1: 1 of 1,533,314 alleles (0.000065%); highest among the groups gnomAD compares: Non-Finnish European, 0.000088%; no homozygotes.

Submission:

Labcorp Genetics (formerly Invitae), Labcorp
Classification: Uncertain significance. Last evaluated: 2022-10-31. Review status: criteria provided, single submitter. Criteria: Invitae Variant Classification Sherloc (09022015). Collection method: clinical testing. Allele origin: germline.
Comment: This sequence change replaces alanine, which is neutral and non-polar, with aspartic acid, which is acidic and polar, at codon 439 of the RELA protein (p.Ala439Asp). This variant is not present in population databases (gnomAD no frequency). This variant has not been reported in the literature in individuals affected with RELA-related conditions. Algorithms developed to predict the effect of missense changes on protein structure and function are either unavailable or do not agree on the potential impact of this missense change (SIFT: "Deleterious"; PolyPhen-2: "Probably Damaging"; Align-GVGD: "Class C0"). In summary, the available evidence is currently insufficient to determine the role of this variant in disease. Therefore, it has been classified as a Variant of Uncertain Significance.